The following is an entry in ClinVar:

ClinVar aggregate classification (germline): Uncertain significance (1 of 4 stars; one submission).

Conditions:
Wilms tumor 1 (WT1). Also called: Wilms tumor, somatic. Identifiers: Orphanet 654, MedGen CN033288, MONDO:0008679, OMIM 194070.
Drash syndrome (DDS). Also called: NEPHROPATHY, WILMS TUMOR, AND GENITAL ANOMALIES; WILMS TUMOR AND PSEUDO- OR TRUE HERMAPHRODITISM. Identifiers: Orphanet 220, MedGen C0950121, MONDO:0008682, OMIM 194080.
11p partial monosomy syndrome (WAGR). Also called: WAGR Spectrum Disorder; CHROMOSOME 11p13 DELETION SYNDROME; WAGR syndrome; WAGR Complex. Identifiers: Orphanet 893, MedGen C0206115, MONDO:0008681, OMIM 194072.
Frasier syndrome. Identifiers: Orphanet 347, MedGen C0950122, MeSH D052159, MONDO:0007635, OMIM 136680.

Submission:

Labcorp Genetics (formerly Invitae), Labcorp
Classification: Uncertain significance for Wilms tumor 1; Drash syndrome; 11p partial monosomy syndrome; Frasier syndrome. Last evaluated: 2024-11-18. Review status: criteria provided, single submitter. Criteria: Invitae Variant Classification Sherloc (09022015). Collection method: clinical testing. Allele origin: germline.
Comment: This sequence change falls in intron 9 of the WT1 gene. It does not directly change the encoded amino acid sequence of the WT1 protein. It affects a nucleotide within the consensus splice site. This variant is not present in population databases (gnomAD no frequency). This variant has not been reported in the literature in individuals affected with WT1-related conditions. Variants that disrupt the consensus splice site are a relatively common cause of aberrant splicing (PMID: 17576681, 9536098). Algorithms developed to predict the effect of sequence changes on RNA splicing suggest that this variant is not likely to affect RNA splicing. This variant disrupts the c.1432+4C nucleotide in the WT1 gene. Other variant(s) that disrupt this nucleotide have been determined to be pathogenic (PMID: 9398852, 9499425, 12050205, 29668062). This suggests that this nucleotide is clinically significant, and that variants that disrupt this position are likely to be disease-causing. In summary, the available evidence is currently insufficient to determine the role of this variant in disease. Therefore, it has been classified as a Variant of Uncertain Significance.

Literature cited by the submitters: PubMed 17576681; PubMed 9536098; PubMed 9398852; PubMed 9499425; PubMed 12050205; PubMed 29668062.

NM_024426.6(WT1):c.1447+4C>A

Gene: WT1 (WT1 transcription factor; minus strand). Cytogenetic location: 11p13.
Variant type: single nucleotide variant.
Coding change: c.1447+4C>A on transcript NM_024426.6 (MANE Select); 4 bases into the intron after coding-DNA position 1447, C replaced by A.
Molecular consequence: intron variant.
Genome position (GRCh38, 1-based): chr11:32,391,968, G>T on the plus strand (C>A on the coding strand, the complement: WT1 is on the minus strand). VCF-style: chr11-32391968-G-T. GRCh37 (hg19) VCF-style: chr11-32413514-G-T.
Other names: c.1273+4C>A (NM_001407050.1); c.1315+13C>A (NM_001407047.1); c.1306+4C>A (NM_001407048.1); c.1303+698C>A (NM_001407049.1); c.1387+13C>A (NM_000378.6); c.1396+4C>A (NM_001407045.1); c.1432+13C>A (NM_001407044.1); c.1354+698C>A (NM_001407046.1); and 9 more.
Identifiers: ClinVar variation 3759810 (VCV003759810.2).